The following is an entry in ClinVar:

NM_004304.5(ALK):c.2552C>A (p.Ala851Asp)

Gene: ALK (ALK receptor tyrosine kinase; minus strand). Cytogenetic location: 2p23.2.
Variant type: single nucleotide variant.
Coding change: c.2552C>A on transcript NM_004304.5 (MANE Select); coding-DNA position 2552, C replaced by A.
Protein change: p.Ala851Asp; replaces alanine 851 with aspartic acid.
Molecular consequence: missense variant.
Genome position (GRCh38, 1-based): chr2:29,232,384, G>T on the plus strand (C>A on the coding strand, the complement: ALK is on the minus strand). VCF-style: chr2-29232384-G-T. GRCh37 (hg19) VCF-style: chr2-29455250-G-T.
Other names: short protein forms A851D.
Identifiers: ClinVar variation 1061948 (VCV001061948.9), dbSNP rs571017977, ClinGen allele CA346471856.

ClinVar aggregate classification (germline): Uncertain significance (1 of 4 stars; one submission).

Conditions:
Neuroblastoma, susceptibility to, 3. Also called: ALK-Related Neuroblastic Tumor Susceptibility. Identifiers: Orphanet 635, MedGen C2751681, MONDO:0013083, OMIM 613014.

gnomAD v4.1: 3 of 1,614,240 alleles (0.00019%); highest among the groups gnomAD compares: Non-Finnish European, 0.00025%; no homozygotes.

Submission:

Labcorp Genetics (formerly Invitae), Labcorp
Classification: Uncertain significance for Neuroblastoma, susceptibility to, 3. Last evaluated: 2020-10-14. Review status: criteria provided, single submitter. Criteria: Invitae Variant Classification Sherloc (09022015). Collection method: clinical testing. Allele origin: germline.
Comment: This sequence change replaces alanine with aspartic acid at codon 851 of the ALK protein (p.Ala851Asp). The alanine residue is highly conserved and there is a moderate physicochemical difference between alanine and aspartic acid. This variant is not present in population databases (ExAC no frequency). This variant has not been reported in the literature in individuals with ALK-related conditions. Algorithms developed to predict the effect of missense changes on protein structure and function (SIFT, PolyPhen-2, Align-GVGD) all suggest that this variant is likely to be disruptive, but these predictions have not been confirmed by published functional studies and their clinical significance is uncertain. In summary, the available evidence is currently insufficient to determine the role of this variant in disease. Therefore, it has been classified as a Variant of Uncertain Significance.